The following is an entry in ClinVar:

NM_001018005.2(TPM1):c.115C>T (p.Leu39=)

Gene: TPM1 (tropomyosin 1; plus strand). Cytogenetic location: 15q22.2.
Variant type: single nucleotide variant.
Coding change: c.115C>T on transcript NM_001018005.2 (MANE Select); coding-DNA position 115, C replaced by T.
Protein change: p.Leu39=; no amino-acid change (leucine 39 retained).
Molecular consequence: synonymous variant. On other transcripts: non-coding transcript variant (12), intron variant (10).
Genome position (GRCh38, 1-based): chr15:63,044,027, C>T. VCF-style: chr15-63044027-C-T. GRCh37 (hg19) VCF-style: chr15-63336226-C-T.
Other names: c.115C>T, p.Leu39= (NM_000366.6, NM_001018004.2, NM_001018006.2 and 10 more transcripts); c.241C>T, p.Leu81= (NM_001365778.1, NM_001407322.1, NM_001407323.1 and 1 more transcripts); c.240+196C>T (NM_001407336.1, NM_001018020.2, NM_001407338.1 and 7 more transcripts).
Identifiers: ClinVar variation 4768511 (VCV004768511.1).

ClinVar aggregate classification (germline): Uncertain significance (1 of 4 stars; one submission).

Conditions:
Hypertrophic cardiomyopathy. Also called: HYPERTROPHIC MYOCARDIOPATHY. Identifiers: Orphanet 217569, MedGen C0007194, MeSH D002312, MONDO:0005045, HP:0001639.

Submission:

Labcorp Genetics (formerly Invitae), Labcorp
Classification: Uncertain significance for Hypertrophic cardiomyopathy. Last evaluated: 2026-01-19. Review status: criteria provided, single submitter. Criteria: Invitae Variant Classification Sherloc (09022015). Collection method: clinical testing. Allele origin: germline.
Comment: This sequence change affects codon 39 of the TPM1 mRNA. It is a 'silent' change, meaning that it does not change the encoded amino acid sequence of the TPM1 protein. It affects a nucleotide within the consensus splice site. This variant is not present in population databases (gnomAD no frequency). This variant has not been reported in the literature in individuals affected with TPM1-related conditions. Algorithms developed to predict the effect of sequence changes on RNA splicing suggest that this variant is not likely to affect RNA splicing. In summary, the available evidence is currently insufficient to determine the role of this variant in disease. Therefore, it has been classified as a Variant of Uncertain Significance.